The following is an entry in ClinVar:

ClinVar aggregate classification (germline): Uncertain significance. Review status: criteria provided, multiple submitters, no conflicts (2 of 4 stars). 3 submissions from 3 submitters: Uncertain significance (3). Last evaluated 2025-01-04.

Conditions:
Autosomal recessive Alport syndrome (ATS2). Also called: COL4A4 Alport Syndrome and Thin Basement Membrane Nephropathy; ALPORT SYNDROME 2, AUTOSOMAL RECESSIVE; Alport syndrome type 2; COL4A3-Related Nephropathy. Identifiers: Orphanet 63, Orphanet 88919, MedGen C4746745, MONDO:0008762, OMIM 203780.

Allele frequency attached by ClinVar (database versions not stated): gnomAD exomes 0.00003 and 0.00004; TOPMed 0.00003; gnomAD 0.00004; ExAC 0.00007; ESP Exome Variant Server 0.00009.
gnomAD v4.1: 54 of 1,610,326 alleles (0.0034%); highest among the groups gnomAD compares: Non-Finnish European, 0.0042%; no homozygotes.

Submissions (3):

Foundation for Research in Genetics and Endocrinology, FRIGE's Institute of Human Genetics
Classification: Uncertain significance for Autosomal recessive Alport syndrome. Last evaluated: 2025-01-04. Review status: criteria provided, single submitter. Criteria: ACMG Guidelines, 2015. Collection method: clinical testing. Allele origin: germline. Inheritance: Oligogenic inheritance. Affected: yes. Observed: 1 heterozygote.
Comment: A heterozygous missense variant in exon 17 of the COL4A4 gene that results in the amino acid substitution of Glycine for Glutamic acid at codon 327 was detected. The observed variant c.980A>G (p.Glu327Gly) has not been reported in the 1000 genomes and has a MAF of 0.003% in the gnomAD databases. The in-silico prediction of the variant is deleterious by MutationTaster2 and DANN. Patients with Alport syndrome has been reported with digenic inheritance with variants in the COL4A3 and COL4A4 genes (Savige et al. 2022). In summary, the variant meets our criteria to be classified as a variant of uncertain significance.

Labcorp Genetics (formerly Invitae), Labcorp
Classification: Uncertain significance. Last evaluated: 2021-08-31. Review status: criteria provided, single submitter. Criteria: Invitae Variant Classification Sherloc (09022015). Collection method: clinical testing. Allele origin: germline.
Comment: This sequence change replaces glutamic acid with glycine at codon 327 of the COL4A4 protein (p.Glu327Gly). The glutamic acid residue is moderately conserved and there is a moderate physicochemical difference between glutamic acid and glycine. This variant is present in population databases (rs375714304, ExAC 0.01%). This variant has not been reported in the literature in individuals affected with COL4A4-related conditions. Algorithms developed to predict the effect of missense changes on protein structure and function are either unavailable or do not agree on the potential impact of this missense change (SIFT: "Deleterious"; PolyPhen-2: "Possibly Damaging"; Align-GVGD: "Class C0"). In summary, the available evidence is currently insufficient to determine the role of this variant in disease. Therefore, it has been classified as a Variant of Uncertain Significance.

GeneDx
Classification: Uncertain significance. Last evaluated: 2019-05-24. Review status: criteria provided, single submitter. Criteria: GeneDx Variant Classification Process June 2021. Collection method: clinical testing. Allele origin: germline. Affected: yes.
Comment: In silico analysis, which includes protein predictors and evolutionary conservation, supports a deleterious effect; Has not been previously published as pathogenic or benign to our knowledge

NM_000092.5(COL4A4):c.980A>G (p.Glu327Gly)

Gene: COL4A4 (collagen type IV alpha 4 chain; minus strand). Cytogenetic location: 2q36.3.
Variant type: single nucleotide variant.
Coding change: c.980A>G on transcript NM_000092.5 (MANE Select); coding-DNA position 980, A replaced by G.
Protein change: p.Glu327Gly; replaces glutamic acid 327 with glycine.
Molecular consequence: missense variant.
Genome position (GRCh38, 1-based): chr2:227,101,553, T>C on the plus strand (A>G on the coding strand, the complement: COL4A4 is on the minus strand). VCF-style: chr2-227101553-T-C. GRCh37 (hg19) VCF-style: chr2-227966269-T-C.
Other names: p.Glu327Gly; short protein forms E327G.
Identifiers: ClinVar variation 1303826 (VCV001303826.5), dbSNP rs375714304, ClinGen allele CA2145319.